The following is an entry in ClinVar:

ClinVar aggregate classification (germline): Uncertain significance (1 of 4 stars; one submission).

Conditions:
Hereditary cancer-predisposing syndrome. Also called: Neoplastic Syndromes, Hereditary; Tumor predisposition; Hereditary Cancer Syndrome; Hereditary neoplastic syndrome. Identifiers: Orphanet 140162, MedGen C0027672, MeSH D009386, MONDO:0015356.

Submission:

Ambry Genetics
Classification: Uncertain significance for Hereditary cancer-predisposing syndrome. Last evaluated: 2024-07-05. Review status: criteria provided, single submitter. Criteria: Ambry Variant Classification Scheme 2023. Collection method: clinical testing. Allele origin: germline.
Comment: The p.D962E variant (also known as c.2886C>G), located in coding exon 25 of the POLE gene, results from a C to G substitution at nucleotide position 2886. The aspartic acid at codon 962 is replaced by glutamic acid, an amino acid with highly similar properties. This amino acid position is conserved. In addition, the in silico prediction for this alteration is inconclusive. Based on the available evidence, the clinical significance of this variant remains unclear.

NM_006231.4(POLE):c.2886C>G (p.Asp962Glu)

Gene: POLE (DNA polymerase epsilon, catalytic subunit; minus strand). Cytogenetic location: 12q24.33.
Variant type: single nucleotide variant.
Coding change: c.2886C>G on transcript NM_006231.4 (MANE Select); coding-DNA position 2886, C replaced by G.
Protein change: p.Asp962Glu; replaces aspartic acid 962 with glutamic acid.
Molecular consequence: missense variant.
Genome position (GRCh38, 1-based): chr12:132,661,143, G>C on the plus strand (C>G on the coding strand, the complement: POLE is on the minus strand). VCF-style: chr12-132661143-G-C. GRCh37 (hg19) VCF-style: chr12-133237729-G-C.
Other names: short protein forms D962E.
Identifiers: ClinVar variation 3422106 (VCV003422106.1).